The following is an entry in ClinVar:

NM_018979.4(WNK1):c.4088C>G (p.Pro1363Arg)

Gene: WNK1 (WNK lysine deficient protein kinase 1; plus strand). Cytogenetic location: 12p13.33.
Variant type: single nucleotide variant.
Coding change: c.4088C>G on transcript NM_018979.4 (MANE Select); coding-DNA position 4088, C replaced by G.
Protein change: p.Pro1363Arg; replaces proline 1363 with arginine.
Molecular consequence: missense variant.
Genome position (GRCh38, 1-based): chr12:884,892, C>G. VCF-style: chr12-884892-C-G. GRCh37 (hg19) VCF-style: chr12-994058-C-G.
Other names: c.4868C>G, p.Pro1623Arg (NM_001184985.2); c.3347C>G, p.Pro1116Arg (NM_014823.3); c.4844C>G, p.Pro1615Arg (NM_213655.5); short protein forms P1363R, P1615R, P1116R, P1623R.
Identifiers: ClinVar variation 656804 (VCV000656804.9), dbSNP rs773207256, ClinGen allele CA383330538.

ClinVar aggregate classification (germline): Uncertain significance. Review status: criteria provided, multiple submitters, no conflicts (2 of 4 stars). 2 submissions from 2 submitters: Uncertain significance (2). Last evaluated 2024-03-28.

Conditions:
Pseudohypoaldosteronism type 2C (PHA2C). Also called: Pseudohypoaldosteronism Type IIC. Identifiers: Orphanet 757, Orphanet 88940, MedGen C1840391, MONDO:0013778, OMIM 614492.
Neuropathy, hereditary sensory and autonomic, type 2A (HSAN2A). Also called: ACROOSTEOLYSIS, GIACCAI TYPE; ACROOSTEOLYSIS, NEUROGENIC; HSAN IIA; WNK1-Related HSAN2 (HSAN2A); MORVAN DISEASE; NEUROPATHY, CONGENITAL SENSORY. Identifiers: Orphanet 970, MedGen C2752089, MONDO:0024309, OMIM 201300.

gnomAD v4.1: 1 of 1,614,154 alleles (0.000062%); highest among the groups gnomAD compares: Admixed American, 0.0017%; no homozygotes.

Submissions (2):

Fulgent Genetics
Classification: Uncertain significance for Neuropathy, hereditary sensory and autonomic, type 2A; Pseudohypoaldosteronism type 2C. Last evaluated: 2024-03-28. Review status: criteria provided, single submitter. Criteria: ACMG Guidelines, 2015. Collection method: clinical testing. Allele origin: germline.

Labcorp Genetics (formerly Invitae), Labcorp
Classification: Uncertain significance for Neuropathy, hereditary sensory and autonomic, type 2A; Pseudohypoaldosteronism type 2C. Last evaluated: 2021-02-12. Review status: criteria provided, single submitter. Criteria: Invitae Variant Classification Sherloc (09022015). Collection method: clinical testing. Allele origin: germline.
Comment: This sequence change replaces proline with arginine at codon 1363 of the WNK1 protein (p.Pro1363Arg). The proline residue is weakly conserved and there is a moderate physicochemical difference between proline and arginine. In summary, the available evidence is currently insufficient to determine the role of this variant in disease. Therefore, it has been classified as a Variant of Uncertain Significance. Algorithms developed to predict the effect of missense changes on protein structure and function (SIFT, PolyPhen-2, Align-GVGD) all suggest that this variant is likely to be tolerated, but these predictions have not been confirmed by published functional studies and their clinical significance is uncertain. This variant has not been reported in the literature in individuals with WNK1-related disease. This variant is not present in population databases (ExAC no frequency).